The following is an entry in ClinVar:

NM_006154.4(NEDD4):c.2669T>C (p.Ile890Thr)

Gene: NEDD4 (NEDD4 E3 ubiquitin protein ligase; minus strand). Cytogenetic location: 15q21.3.
Variant type: single nucleotide variant.
Coding change: c.2669T>C on transcript NM_006154.4 (MANE Select); coding-DNA position 2669, T replaced by C.
Protein change: p.Ile890Thr; replaces isoleucine 890 with threonine.
Molecular consequence: missense variant. On other transcripts: non-coding transcript variant (1).
Genome position (GRCh38, 1-based): chr15:55,829,931, A>G on the plus strand (T>C on the coding strand, the complement: NEDD4 is on the minus strand). VCF-style: chr15-55829931-A-G. GRCh37 (hg19) VCF-style: chr15-56122129-A-G.
Other names: c.3926T>C, p.Ile1309Thr (NM_001284338.2); c.3878T>C, p.Ile1293Thr (NM_001284339.1); c.3875T>C, p.Ile1292Thr (NM_001284340.1); c.2228T>C, p.Ile743Thr (NM_001329212.2); c.3710T>C, p.Ile1237Thr (NM_198400.3); short protein forms I1237T, I1292T, I1293T, I1309T, I743T, I890T.
Identifiers: ClinVar variation 3054297 (VCV003054297.2), dbSNP rs373718024, ClinGen allele CA7576585.

ClinVar aggregate classification (germline): Likely benign (0 of 4 stars; one submission).

Conditions:
NEDD4-related disorder. Also called: NEDD4-related condition.

Allele frequency attached by ClinVar (database versions not stated): TOPMed 0.00006; ESP Exome Variant Server 0.00008; gnomAD 0.00012; gnomAD exomes 0.00020; ExAC 0.00046; 1000 Genomes Project 30x 0.00062; 1000 Genomes Project 0.00080.
gnomAD v4.1: 314 of 1,613,802 alleles (0.019%); highest among the groups gnomAD compares: South Asian, 0.29%; 1 homozygote.

Submission:

PreventionGenetics, part of Exact Sciences
Classification: Likely benign for NEDD4-related condition. Last evaluated: 2022-07-08. Review status: no assertion criteria provided. Collection method: clinical testing. Allele origin: germline.
Comment: This variant is classified as likely benign based on ACMG/AMP sequence variant interpretation guidelines (Richards et al. 2015 PMID: 25741868, with internal and published modifications).